The following is an entry in ClinVar:

ClinVar aggregate classification (germline): Conflicting classifications of pathogenicity. Review status: criteria provided, conflicting classifications (1 of 4 stars). 2 submissions from 2 submitters: Uncertain significance (1); Likely benign (1). Last evaluated 2025-05-28.

Conditions:
Hereditary cancer-predisposing syndrome. Also called: Hereditary neoplastic syndrome; Neoplastic Syndromes, Hereditary; Tumor predisposition; Hereditary Cancer Syndrome. Identifiers: Orphanet 140162, MedGen C0027672, MeSH D009386, MONDO:0015356.
Neuroblastoma, susceptibility to, 3. Also called: ALK-Related Neuroblastic Tumor Susceptibility. Identifiers: Orphanet 635, MedGen C2751681, MONDO:0013083, OMIM 613014.

Allele frequency attached by ClinVar (database versions not stated): gnomAD below 0.00001 and 0.00001; gnomAD exomes 0.00001 and 0.00003; ExAC 0.00003.
gnomAD v4.1: 18 of 1,614,046 alleles (0.0011%); highest among the groups gnomAD compares: South Asian, 0.018%; no homozygotes.

Submissions (2):

Labcorp Genetics (formerly Invitae), Labcorp
Classification: Uncertain significance for Neuroblastoma, susceptibility to, 3. Last evaluated: 2025-05-28. Review status: criteria provided, single submitter. Criteria: Invitae Variant Classification Sherloc (09022015). Collection method: clinical testing. Allele origin: germline.
Comment: This sequence change replaces valine, which is neutral and non-polar, with glutamic acid, which is acidic and polar, at codon 834 of the ALK protein (p.Val834Glu). This variant is present in population databases (rs750849080, gnomAD 0.02%). This variant has not been reported in the literature in individuals affected with ALK-related conditions. ClinVar contains an entry for this variant (Variation ID: 1047180). An algorithm developed to predict the effect of missense changes on protein structure and function (PolyPhen-2) suggests that this variant is likely to be tolerated. In summary, the available evidence is currently insufficient to determine the role of this variant in disease. Therefore, it has been classified as a Variant of Uncertain Significance.

Ambry Genetics
Classification: Likely benign for Hereditary cancer-predisposing syndrome. Last evaluated: 2022-09-13. Review status: criteria provided, single submitter. Criteria: Ambry Variant Classification Scheme 2023. Collection method: clinical testing. Allele origin: germline.

NM_004304.5(ALK):c.2501T>A (p.Val834Glu)

Gene: ALK (ALK receptor tyrosine kinase; minus strand). Cytogenetic location: 2p23.2.
Variant type: single nucleotide variant.
Coding change: c.2501T>A on transcript NM_004304.5 (MANE Select); coding-DNA position 2501, T replaced by A.
Protein change: p.Val834Glu; replaces valine 834 with glutamic acid.
Molecular consequence: missense variant.
Genome position (GRCh38, 1-based): chr2:29,232,435, A>T on the plus strand (T>A on the coding strand, the complement: ALK is on the minus strand). VCF-style: chr2-29232435-A-T. GRCh37 (hg19) VCF-style: chr2-29455301-A-T.
Other names: short protein forms V834E.
Identifiers: ClinVar variation 1047180 (VCV001047180.12), dbSNP rs750849080, ClinGen allele CA1594282.